The following is an entry in ClinVar:

ClinVar aggregate classification (germline): Uncertain significance (1 of 4 stars; one submission).

Allele frequency attached by ClinVar (database versions not stated): gnomAD exomes below 0.00001 and 0.00001.
gnomAD v4.1: 1 of 1,564,878 alleles (0.000064%); highest among the groups gnomAD compares: Admixed American, 0.0019%; no homozygotes.

Submission:

Labcorp Genetics (formerly Invitae), Labcorp
Classification: Uncertain significance. Last evaluated: 2021-12-03. Review status: criteria provided, single submitter. Criteria: Invitae Variant Classification Sherloc (09022015). Collection method: clinical testing. Allele origin: germline.
Comment: This sequence change replaces histidine with arginine at codon 56 of the GNMT protein (p.His56Arg). The histidine residue is moderately conserved and there is a small physicochemical difference between histidine and arginine. The frequency data for this variant in the population databases is considered unreliable, as metrics indicate poor data quality at this position in the gnomAD database. This variant has not been reported in the literature in individuals affected with GNMT-related conditions. Algorithms developed to predict the effect of missense changes on protein structure and function are either unavailable or do not agree on the potential impact of this missense change (SIFT: "Not Available"; PolyPhen-2: "Benign"; Align-GVGD: "Not Available"). In summary, the available evidence is currently insufficient to determine the role of this variant in disease. Therefore, it has been classified as a Variant of Uncertain Significance.

NM_018960.6(GNMT):c.167A>G (p.His56Arg)

Genes: CNPY3-GNMT (CNPY3-GNMT readthrough; plus strand), GNMT (glycine N-methyltransferase; plus strand). Cytogenetic location: 6p21.1.
Variant type: single nucleotide variant.
Coding change: c.167A>G on transcript NM_018960.6 (MANE Select); coding-DNA position 167, A replaced by G.
Protein change: p.His56Arg; replaces histidine 56 with arginine.
Molecular consequence: missense variant. On other transcripts: non-coding transcript variant (1), intron variant (3).
Genome position (GRCh38, 1-based): chr6:42,960,934, A>G. VCF-style: chr6-42960934-A-G. GRCh37 (hg19) VCF-style: chr6-42928672-A-G.
Other names: c.167A>G, p.His56Arg (NM_001318865.2); c.9-1278A>G (NM_001318856.2); c.152-1828A>G (NM_001318857.2, NM_001318858.2); short protein forms H56R.
Identifiers: ClinVar variation 1380758 (VCV001380758.6), dbSNP rs1300530729, ClinGen allele CA364143482.